The following is an entry in ClinVar:

ClinVar aggregate classification (germline): Conflicting classifications of pathogenicity. Review status: criteria provided, conflicting classifications (1 of 4 stars). 13 submissions from 10 submitters: Uncertain significance (4); Likely benign (9). Last evaluated 2026-09-17.

Conditions:
Myosin storage myopathy (CMYO7A). Also called: MYOPATHY, HYALINE BODY, AUTOSOMAL DOMINANT; MYOPATHY WITH LYSIS OF TYPE I MYOFIBRILS; MYH7-related late-onset scapuloperoneal muscular dystrophy; Congenital myopathy 7A, myosin storage, autosomal dominant; SCAPULOPERONEAL MUSCULAR DYSTROPHY; SCAPULOPERONEAL SYNDROME, MYOPATHIC TYPE. Identifiers: Orphanet 437572, Orphanet 636965, MedGen C1842160, MONDO:0008409, OMIM 608358.
Hypertrophic cardiomyopathy 1 (CMH1). Also called: MYH7-Related Familial Hypertrophic Cardiomyopathy; Familial hypertrophic cardiomyopathy 1. Identifiers: MedGen C3495498, MONDO:0008647, OMIM 192600.
MYH7-related skeletal myopathy. Also called: Laing early-onset distal myopathy; Myopathy, distal, 1; MYOPATHY, DISTAL, EARLY-ONSET, AUTOSOMAL DOMINANT; MYOPATHY, LATE DISTAL HEREDITARY; Laing distal myopathy. Identifiers: Orphanet 59135, MedGen C4552004, MONDO:0008050, OMIM 160500.
Dilated cardiomyopathy 1S (CMD1S). Identifiers: Orphanet 154, Orphanet 54260, MedGen C1834481, MONDO:0013262, OMIM 613426.
MYH7-related disorder. Also called: MYH7-related condition; MYH7-related disease; MYH7-related disorders.
Cardiovascular phenotype. Identifiers: MedGen CN230736.
Cardiomyopathy (CMYO). Also called: Cardiomyopathies. Identifiers: Orphanet 167848, MedGen C0878544, MONDO:0004994, HP:0001638. Inheritance: Various modes of inheritance.
Hypertrophic cardiomyopathy. Also called: HYPERTROPHIC MYOCARDIOPATHY. Identifiers: Orphanet 217569, MedGen C0007194, MeSH D002312, MONDO:0005045, HP:0001639.

Allele frequency attached by ClinVar (database versions not stated): gnomAD 0.00001; TOPMed 0.00005.
gnomAD v4.1: 34 of 1,614,030 alleles (0.0021%); highest among the groups gnomAD compares: Middle Eastern, 0.033%; no homozygotes.

Submissions (13):

PreventionGenetics, part of Exact Sciences
Classification: Likely benign for MYH7-related condition. Last evaluated: 2026-09-17. Review status: criteria provided, single submitter. Criteria: ACMG Guidelines, 2015. Collection method: clinical testing. Allele origin: germline.
Comment: This variant is classified as likely benign based on ACMG/AMP sequence variant interpretation guidelines (Richards et al. 2015 PMID: 25741868, with internal and published modifications).

Labcorp Genetics (formerly Invitae), Labcorp
Classification: Likely benign for Hypertrophic cardiomyopathy. Last evaluated: 2026-01-18. Review status: criteria provided, single submitter. Criteria: Invitae Variant Classification Sherloc (09022015). Collection method: clinical testing. Allele origin: germline.

CeGaT Center for Human Genetics Tuebingen
Classification: Likely benign. Last evaluated: 2025-08-01. Review status: criteria provided, single submitter. Criteria: CeGaT Center For Human Genetics Tuebingen Variant Classification Criteria Version 2. Collection method: clinical testing. Allele origin: germline. Affected: yes. Observed: 8 variant alleles.
Comment: MYH7: BP4, BP7

Molecular Diagnostic Laboratory for Inherited Cardiovascular Disease, Montreal Heart Institute
Classification: Likely benign. Last evaluated: 2025-04-09. Review status: criteria provided, single submitter. Criteria: ACMG Guidelines, 2015. Collection method: clinical testing. Allele origin: germline. Affected: no.

Blueprint Genetics
Classification: Likely benign. Last evaluated: 2024-04-15. Review status: criteria provided, single submitter. Criteria: ACMG Guidelines, 2015. Collection method: clinical testing. Allele origin: germline.

All of Us Research Program, National Institutes of Health
Classification: Likely benign for Cardiomyopathy. Last evaluated: 2023-12-18. Review status: criteria provided, single submitter. Criteria: ACMG Guidelines, 2015. Collection method: clinical testing. Allele origin: germline. Inheritance: Autosomal dominant inheritance. Observed: 9 variant alleles, 9 heterozygotes.
Comment: This study involves interpretation of variants in research participants for the purpose of population health screening. Participant phenotype was not available at the time of variant classification. Additional details can be found in publication PMID: 35346344, PMCID: PMC8962531

Ambry Genetics
Classification: Likely benign for Cardiovascular phenotype. Last evaluated: 2023-01-05. Review status: criteria provided, single submitter. Criteria: Ambry Variant Classification Scheme 2023. Collection method: clinical testing. Allele origin: germline.

Color Diagnostics, LLC DBA Color Health
Classification: Likely benign for Cardiomyopathy. Last evaluated: 2018-12-16. Review status: criteria provided, single submitter. Criteria: ACMG Guidelines, 2015. Collection method: clinical testing. Allele origin: germline.

Illumina Laboratory Services, Illumina
Classification: Uncertain significance for Myosin storage myopathy. Last evaluated: 2018-01-13. Review status: criteria provided, single submitter. Criteria: ICSL Variant Classification Criteria 13 December 2019. Collection method: clinical testing. Allele origin: germline.

Illumina Laboratory Services, Illumina
Classification: Uncertain significance for Dilated cardiomyopathy 1S. Last evaluated: 2018-01-13. Review status: criteria provided, single submitter. Criteria: ICSL Variant Classification Criteria 13 December 2019. Collection method: clinical testing. Allele origin: germline.

Illumina Laboratory Services, Illumina
Classification: Uncertain significance for MYH7-related skeletal myopathy. Last evaluated: 2018-01-13. Review status: criteria provided, single submitter. Criteria: ICSL Variant Classification Criteria 13 December 2019. Collection method: clinical testing. Allele origin: germline.

Illumina Laboratory Services, Illumina
Classification: Uncertain significance for Hypertrophic cardiomyopathy 1. Last evaluated: 2018-01-13. Review status: criteria provided, single submitter. Criteria: ICSL Variant Classification Criteria 13 December 2019. Collection method: clinical testing. Allele origin: germline.

GeneDx
Classification: Likely benign. Last evaluated: 2016-08-01. Review status: criteria provided, single submitter. Criteria: GeneDx Variant Classification (06012015). Collection method: clinical testing. Allele origin: germline. Affected: yes.
Comment: This variant is considered likely benign or benign based on one or more of the following criteria: it is a conservative change, it occurs at a poorly conserved position in the protein, it is predicted to be benign by multiple in silico algorithms, and/or has population frequency not consistent with disease.

NM_000257.4(MYH7):c.1749C>T (p.Ala583=)

Gene: MYH7 (myosin heavy chain 7; minus strand). Cytogenetic location: 14q11.2.
Variant type: single nucleotide variant.
Coding change: c.1749C>T on transcript NM_000257.4 (MANE Select); coding-DNA position 1749, C replaced by T.
Protein change: p.Ala583=; no amino-acid change (alanine 583 retained).
Molecular consequence: synonymous variant.
Genome position (GRCh38, 1-based): chr14:23,427,724, G>A on the plus strand (C>T on the coding strand, the complement: MYH7 is on the minus strand). VCF-style: chr14-23427724-G-A. GRCh37 (hg19) VCF-style: chr14-23896933-G-A.
Other names: c.1749C>T (LRG_384t1).
Identifiers: ClinVar variation 312911 (VCV000312911.64), dbSNP rs758665829, ClinGen allele CA029255.